The following is an entry in ClinVar:

NM_001184880.2(PCDH19):c.2963G>A (p.Arg988Lys)

Gene: PCDH19 (protocadherin 19; minus strand). Cytogenetic location: Xq22.1.
Variant type: single nucleotide variant.
Coding change: c.2963G>A on transcript NM_001184880.2 (MANE Select); coding-DNA position 2963, G replaced by A.
Protein change: p.Arg988Lys; replaces arginine 988 with lysine.
Molecular consequence: missense variant.
Genome position (GRCh38, 1-based): chrX:100,296,761, C>T on the plus strand (G>A on the coding strand, the complement: PCDH19 is on the minus strand). VCF-style: chrX-100296761-C-T. GRCh37 (hg19) VCF-style: chrX-99551759-C-T.
Other names: c.2822G>A, p.Arg941Lys (NM_001105243.2); c.2819G>A, p.Arg940Lys (NM_020766.3); short protein forms R940K, R941K, R988K.
Identifiers: ClinVar variation 4801123 (VCV004801123.1).

ClinVar aggregate classification (germline): Uncertain significance (1 of 4 stars; one submission).

Conditions:
Developmental and epileptic encephalopathy, 9 (DEE9). Also called: Early infantile epileptic encephalopathy 9; EPILEPSY, FEMALE-RESTRICTED, WITH MENTAL RETARDATION; JUBERG-HELLMAN SYNDROME; PCDH19-Related X-Linked Female-Limited Epilepsy with Mental Retardation. Identifiers: Orphanet 101039, Orphanet 2076, MedGen C1848137, MONDO:0010246, OMIM 300088. Disease mechanism: loss of function.

Submission:

Labcorp Genetics (formerly Invitae), Labcorp
Classification: Uncertain significance for Developmental and epileptic encephalopathy, 9. Last evaluated: 2025-11-17. Review status: criteria provided, single submitter. Criteria: Invitae Variant Classification Sherloc (09022015). Collection method: clinical testing. Allele origin: germline.
Comment: This sequence change replaces arginine, which is basic and polar, with lysine, which is basic and polar, at codon 988 of the PCDH19 protein (p.Arg988Lys). This variant is not present in population databases (gnomAD no frequency). This variant has not been reported in the literature in individuals affected with PCDH19-related conditions. Invitae Evidence Modeling of protein sequence and biophysical properties (such as structural, functional, and spatial information, amino acid conservation, physicochemical variation, residue mobility, and thermodynamic stability) indicates that this missense variant is not expected to disrupt PCDH19 protein function with a negative predictive value of 95%. In summary, the available evidence is currently insufficient to determine the role of this variant in disease. Therefore, it has been classified as a Variant of Uncertain Significance.